The following is an entry in ClinVar:

ClinVar aggregate classification (germline): Conflicting classifications of pathogenicity. Review status: criteria provided, conflicting classifications (1 of 4 stars). 4 submissions from 4 submitters: Uncertain significance (3); Benign (1). Last evaluated 2025-10-08.

Conditions:
Gorlin syndrome. Also called: Basal cell nevus syndrome; Nevoid Basal Cell Carcinoma Syndrome. Identifiers: Orphanet 377, MedGen C0004779, MONDO:0007187.
Hereditary cancer-predisposing syndrome. Also called: Neoplastic Syndromes, Hereditary; Hereditary Cancer Syndrome; Hereditary neoplastic syndrome; Tumor predisposition. Identifiers: Orphanet 140162, MedGen C0027672, MeSH D009386, MONDO:0015356.

Allele frequency attached by ClinVar (database versions not stated): gnomAD 0.00001 and 0.00003; 1000 Genomes Project 0.00040; 1000 Genomes Project 30x 0.00078.
gnomAD v4.1: 11 of 1,613,366 alleles (0.00068%); highest among the groups gnomAD compares: Admixed American, 0.013%; no homozygotes.

Submissions (4):

Quest Diagnostics Nichols Institute San Juan Capistrano
Classification: Uncertain significance. Last evaluated: 2025-10-08. Review status: criteria provided, single submitter. Criteria: Quest Diagnostics criteria. Collection method: clinical testing. Allele origin: unknown.
Comment: The PTCH1 c.3920C>G (p.Pro1307Arg) variant has not been reported in individuals with PTCH1-related conditions in the published literature. The frequency of this variant in the general population (Genome Aggregation Database) is uninformative in the assessment of its pathogenicity. Analysis of this variant using bioinformatics tools for the prediction of the effect of amino acid changes on protein structure and function yielded predictions that this variant is benign. Based on the available information, we are unable to determine the clinical significance of this variant.

Labcorp Genetics (formerly Invitae), Labcorp
Classification: Benign for Gorlin syndrome. Last evaluated: 2025-07-09. Review status: criteria provided, single submitter. Criteria: Invitae Variant Classification Sherloc (09022015). Collection method: clinical testing. Allele origin: germline.

Ambry Genetics
Classification: Uncertain significance for Hereditary cancer-predisposing syndrome. Last evaluated: 2025-07-07. Review status: criteria provided, single submitter. Criteria: Ambry Variant Classification Scheme 2023. Collection method: clinical testing. Allele origin: germline.
Comment: The p.P1307R variant (also known as c.3920C>G), located in coding exon 23 of the PTCH1 gene, results from a C to G substitution at nucleotide position 3920. The proline at codon 1307 is replaced by arginine, an amino acid with dissimilar properties. This amino acid position is poorly conserved in available vertebrate species. In addition, this alteration is predicted to be tolerated by in silico analysis. Since supporting evidence is limited at this time, the clinical significance of this alteration remains unclear.

Revvity Omics, Revvity
Classification: Uncertain significance. Last evaluated: 2019-08-08. Review status: criteria provided, single submitter. Criteria: ACMG Guidelines, 2015. Collection method: clinical testing. Allele origin: germline.

NM_000264.5(PTCH1):c.3920C>G (p.Pro1307Arg)

Gene: PTCH1 (patched 1; minus strand). Cytogenetic location: 9q22.32.
Variant type: single nucleotide variant.
Coding change: c.3920C>G on transcript NM_000264.5 (MANE Select); coding-DNA position 3920, C replaced by G.
Protein change: p.Pro1307Arg; replaces proline 1307 with arginine.
Molecular consequence: missense variant. On other transcripts: non-coding transcript variant (1).
Genome position (GRCh38, 1-based): chr9:95,447,336, G>C on the plus strand (C>G on the coding strand, the complement: PTCH1 is on the minus strand). VCF-style: chr9-95447336-G-C. GRCh37 (hg19) VCF-style: chr9-98209618-G-C.
Other names: c.3722C>G, p.Pro1241Arg (NM_001083602.3); c.3917C>G, p.Pro1306Arg (NM_001083603.3); c.3467C>G, p.Pro1156Arg (NM_001083604.3, NM_001083605.3, NM_001083606.3 and 1 more transcripts); c.3764C>G, p.Pro1255Arg (NM_001354918.2); c.3920C>G (NM_000264.4); short protein forms P1255R, P1306R, P1307R, P1156R, P1241R.
Identifiers: ClinVar variation 642445 (VCV000642445.15), dbSNP rs181585555, ClinGen allele CA5138006.